The following is an entry in ClinVar:

ClinVar aggregate classification (germline): Uncertain significance (1 of 4 stars; one submission).

Submission:

Labcorp Genetics (formerly Invitae), Labcorp
Classification: Uncertain significance. Last evaluated: 2022-06-13. Review status: criteria provided, single submitter. Criteria: Invitae Variant Classification Sherloc (09022015). Collection method: clinical testing. Allele origin: germline.
Comment: This variant is not present in population databases (gnomAD no frequency). This sequence change falls in intron 1 of the MRPS16 gene. It does not directly change the encoded amino acid sequence of the MRPS16 protein. It affects a nucleotide within the consensus splice site. In summary, the available evidence is currently insufficient to determine the role of this variant in disease. Therefore, it has been classified as a Variant of Uncertain Significance. Variants that disrupt the consensus splice site are a relatively common cause of aberrant splicing (PMID: 17576681, 9536098). Algorithms developed to predict the effect of sequence changes on RNA splicing suggest that this variant may disrupt the consensus splice site. This variant has not been reported in the literature in individuals affected with MRPS16-related conditions.

Literature cited by the submitters: PubMed 17576681; PubMed 9536098.

NM_016065.4(MRPS16):c.13+5G>C

Genes: DNAJC9-AS1 (DNAJC9 and MRPS16 antisense RNA 1; plus strand), MRPS16 (mitochondrial ribosomal protein S16; minus strand). Cytogenetic location: 10q22.2.
Variant type: single nucleotide variant.
Coding change: c.13+5G>C on transcript NM_016065.4 (MANE Select); 5 bases into the intron after coding-DNA position 13, G replaced by C.
Molecular consequence: intron variant.
Genome position (GRCh38, 1-based): chr10:73,252,465, C>G on the plus strand (G>C on the coding strand, the complement: MRPS16 is on the minus strand). VCF-style: chr10-73252465-C-G. GRCh37 (hg19) VCF-style: chr10-75012223-C-G.
Identifiers: ClinVar variation 1507460 (VCV001507460.6), dbSNP rs2133446281, ClinGen allele CA2573145607.